The following is an entry in ClinVar:

ClinVar aggregate classification (germline): Uncertain significance (1 of 4 stars; one submission).

Submission:

GeneDx
Classification: Uncertain significance. Last evaluated: 2025-06-17. Review status: criteria provided, single submitter. Criteria: GeneDx Variant Classification Process June 2021. Collection method: clinical testing. Allele origin: germline. Affected: yes.
Comment: Not observed at significant frequency in large population cohorts (gnomAD); In silico analysis supports that this missense variant has a deleterious effect on protein structure/function; Has not been previously published as pathogenic or benign to our knowledge

NM_006133.3(DAGLA):c.580T>C (p.Trp194Arg)

Gene: DAGLA (diacylglycerol lipase alpha; plus strand). Cytogenetic location: 11q12.2.
Variant type: single nucleotide variant.
Coding change: c.580T>C on transcript NM_006133.3 (MANE Select); coding-DNA position 580, T replaced by C.
Protein change: p.Trp194Arg; replaces tryptophan 194 with arginine.
Molecular consequence: missense variant.
Genome position (GRCh38, 1-based): chr11:61,726,026, T>C. VCF-style: chr11-61726026-T-C. GRCh37 (hg19) VCF-style: chr11-61493498-T-C.
Other names: short protein forms W194R.
Identifiers: ClinVar variation 4538766 (VCV004538766.1).
Genomic context (GRCh38, chr11:61,726,026, plus strand): 5'-TCACACATACCGCCTCTCCTGCTTTGCAGGCACCGCTTAGAGGAGGGTCAAGCCACCAGC[T>C]GGTCGCGCCGGCTCAAAGTGTTCCTCTGCTGCACGCGGACGAAGGACTCCCAGTCAGTAA-3'
Protein context (NP_006124.1, residues 184-204): HRLEEGQATS[Trp194Arg]SRRLKVFLCC